The following is an entry in ClinVar:

NM_001042492.3(NF1):c.393_394delinsCC (p.Ala132Pro)

Gene: NF1 (neurofibromin 1; plus strand). Cytogenetic location: 17q11.2.
Variant type: Indel.
Coding change: c.393_394delinsCC on transcript NM_001042492.3 (MANE Select); coding-DNA positions 393 to 394, AG replaced by CC.
Protein change: p.Ala132Pro; replaces alanine 132 with proline.
Molecular consequence: missense variant.
Genome position (GRCh38, 1-based): chr17:31,163,290-31,163,291, AG replaced by CC. VCF-style: chr17-31163290-AG-CC. GRCh37 (hg19) VCF-style: chr17-29490308-AG-CC.
Other names: c.393_394delAGinsCC, p.Ala132Pro (NM_000267.4); c.393_394delinsCC, p.Ala132Pro (NM_001128147.3); short protein forms A132P.
Identifiers: ClinVar variation 861399 (VCV000861399.5), dbSNP rs2065794141, ClinGen allele CA916080565.
Genomic context (GRCh38, chr17:31,163,290, plus strand): 5'-ACAGTTGCTGCCAGAAATCTGCCATTTTCTTCACACCTGTCGTGAAGGAAACCAGCATGC[AG>CC]CTGAACTTCGGAATTCTGCCTCTGGGGTTTTATTTTCTCTCAGCTGCAACAACTTCAATG-3'
Protein context (NP_001035957.1, residues 122-142): HTCREGNQHA[Ala132Pro]ELRNSASGVL

ClinVar aggregate classification (germline): Uncertain significance (1 of 4 stars; one submission).

Conditions:
Neurofibromatosis, type 1 (NF1). Also called: Neurofibromatosis, type I; VON RECKLINGHAUSEN DISEASE; Peripheral type neurofibromatosis; NEUROFIBROMATOSIS, TYPE I, SOMATIC. Identifiers: Orphanet 636, MedGen C0027831, MONDO:0018975, OMIM 162200. Disease mechanism: loss of function.

Submission:

Labcorp Genetics (formerly Invitae), Labcorp
Classification: Uncertain significance for Neurofibromatosis, type 1. Last evaluated: 2019-03-30. Review status: criteria provided, single submitter. Criteria: Invitae Variant Classification Sherloc (09022015). Collection method: clinical testing. Allele origin: germline.
Comment: This variant has not been reported in the literature in individuals with NF1-related conditions. This variant is reported as two separate entries in the ExAC population database (c.393A>C, 0.01% and c.394G>C, absent). This sequence change replaces alanine with proline at codon 132 of the NF1 protein (p.Ala132Pro). The alanine residue is highly conserved and there is a small physicochemical difference between alanine and proline. Algorithms developed to predict the effect of missense changes on protein structure and function are either unavailable or do not agree on the potential impact of this missense change (SIFT: "Deleterious"; PolyPhen-2: "Not Available"; Align-GVGD: "Class C0"). In summary, the available evidence is currently insufficient to determine the role of this variant in disease. Therefore, it has been classified as a Variant of Uncertain Significance.